The following is an entry in ClinVar:

NM_198578.4(LRRK2):c.1832G>A (p.Gly611Glu)

Gene: LRRK2 (leucine rich repeat kinase 2; plus strand). Cytogenetic location: 12q12.
Variant type: single nucleotide variant.
Coding change: c.1832G>A on transcript NM_198578.4 (MANE Select); coding-DNA position 1832, G replaced by A.
Protein change: p.Gly611Glu; replaces glycine 611 with glutamic acid.
Molecular consequence: missense variant.
Genome position (GRCh38, 1-based): chr12:40,274,884, G>A. VCF-style: chr12-40274884-G-A. GRCh37 (hg19) VCF-style: chr12-40668686-G-A.
Other names: short protein forms G611E.
Identifiers: ClinVar variation 3540777 (VCV003540777.1).

ClinVar aggregate classification (germline): Uncertain significance (1 of 4 stars; one submission).

Conditions:
Inborn genetic diseases. Identifiers: MedGen C0950123, MeSH D030342.

gnomAD v4.1: 1 of 1,612,422 alleles (0.000062%); highest among the groups gnomAD compares: Non-Finnish European, 0.000085%; no homozygotes.

Submission:

Ambry Genetics
Classification: Uncertain significance for Inborn genetic diseases. Last evaluated: 2024-11-10. Review status: criteria provided, single submitter. Criteria: Ambry Variant Classification Scheme 2023. Collection method: clinical testing. Allele origin: germline.
Comment: The p.G611E variant (also known as c.1832G>A), located in coding exon 16 of the LRRK2 gene, results from a G to A substitution at nucleotide position 1832. The glycine at codon 611 is replaced by glutamic acid, an amino acid with similar properties. This amino acid position is conserved. In addition, the in silico prediction for this alteration is inconclusive. Based on the available evidence, the clinical significance of this variant remains unclear.